The following is an entry in ClinVar:

NM_001367624.2(ZNF469):c.3337G>A (p.Gly1113Ser)

Gene: ZNF469 (zinc finger protein 469; plus strand). Cytogenetic location: 16q24.2.
Variant type: single nucleotide variant.
Coding change: c.3337G>A on transcript NM_001367624.2 (MANE Select); coding-DNA position 3337, G replaced by A.
Protein change: p.Gly1113Ser; replaces glycine 1113 with serine.
Molecular consequence: missense variant.
Genome position (GRCh38, 1-based): chr16:88,430,807, G>A. VCF-style: chr16-88430807-G-A. GRCh37 (hg19) VCF-style: chr16-88497215-G-A.
Other names: NM_001127464.1:c.3253G>A; short protein forms G1113S.
Identifiers: ClinVar variation 1310530 (VCV001310530.2), dbSNP rs2142303833, ClinGen allele CA397080228.

ClinVar aggregate classification (germline): Uncertain significance (1 of 4 stars; one submission).

Allele frequency attached by ClinVar (database versions not stated): gnomAD exomes below 0.00001.
gnomAD v4.1: 1 of 1,530,642 alleles (0.000065%); highest among the groups gnomAD compares: Non-Finnish European, 0.000087%; no homozygotes.

Submission:

GeneDx
Classification: Uncertain significance. Last evaluated: 2019-12-12. Review status: criteria provided, single submitter. Criteria: GeneDx Variant Classification Process June 2021. Collection method: clinical testing. Allele origin: germline. Affected: yes.
Comment: Not observed in large population cohorts (Lek et al., 2016); In silico analysis, which includes protein predictors and evolutionary conservation, supports that this variant does not alter protein structure/function; Has not been previously published as pathogenic or benign to our knowledge